The following is an entry in ClinVar:

ClinVar aggregate classification (germline): Uncertain significance (1 of 4 stars; one submission).

Allele frequency attached by ClinVar (database versions not stated): gnomAD exomes below 0.00001 and 0.00001; ExAC 0.00001.

Submission:

Labcorp Genetics (formerly Invitae), Labcorp
Classification: Uncertain significance. Last evaluated: 2022-06-27. Review status: criteria provided, single submitter. Criteria: Invitae Variant Classification Sherloc (09022015). Collection method: clinical testing. Allele origin: germline.
Comment: This variant is present in population databases (rs780336893, gnomAD 0.01%). This sequence change replaces glutamic acid, which is acidic and polar, with lysine, which is basic and polar, at codon 2334 of the GPR179 protein (p.Glu2334Lys). This variant has not been reported in the literature in individuals affected with GPR179-related conditions. Algorithms developed to predict the effect of missense changes on protein structure and function output the following: SIFT: "Tolerated"; PolyPhen-2: "Benign"; Align-GVGD: "Class C0". The lysine amino acid residue is found in multiple mammalian species, which suggests that this missense change does not adversely affect protein function. In summary, the available evidence is currently insufficient to determine the role of this variant in disease. Therefore, it has been classified as a Variant of Uncertain Significance.

NM_001004334.4(GPR179):c.7000G>A (p.Glu2334Lys)

Gene: GPR179 (G protein-coupled receptor 179; minus strand). Cytogenetic location: 17q12.
Variant type: single nucleotide variant.
Coding change: c.7000G>A on transcript NM_001004334.4 (MANE Select); coding-DNA position 7000, G replaced by A.
Protein change: p.Glu2334Lys; replaces glutamic acid 2334 with lysine.
Molecular consequence: missense variant.
Genome position (GRCh38, 1-based): chr17:38,326,569, C>T on the plus strand (G>A on the coding strand, the complement: GPR179 is on the minus strand). VCF-style: chr17-38326569-C-T. GRCh37 (hg19) VCF-style: chr17-36482452-C-T.
Other names: short protein forms E2334K.
Identifiers: ClinVar variation 1509340 (VCV001509340.8), dbSNP rs780336893, ClinGen allele CA290102691.